The following is an entry in ClinVar:

ClinVar aggregate classification (germline): Pathogenic (0 of 4 stars; one submission).

Conditions:
Epilepsy. Also called: Seizure disorder. Identifiers: MedGen C0014544, MeSH D004827, MONDO:0005027.
Intellectual disability. Also called: Intellectual functioning disability; Intellectual developmental disorder; intellectual disabilities. Identifiers: MedGen C3714756, MeSH D008607, MONDO:0001071, HP:0001249.

Submission:

Institute of Human Genetics, University of Leipzig Medical Center
Classification: Pathogenic for Intellectual disability; Epilepsy. Last evaluated: 2021-02-25. Review status: no assertion criteria provided. Collection method: clinical testing. Allele origin: unknown. Inheritance: Autosomal dominant inheritance. Affected: yes. Observed: 1 variant allele, 1 heterozygote.
Comment: Inheritance was not applicable (heterozygous). The variant was reviewed according to current ClinGen recommendations and classified as Pathogenic (criteria: 1A(0), 2A(1), 3B(0.45), 4E(0.1), 5H(0.3), Total score=1.85).

GRCh37/hg19 22q11.21(chr22:18886915-21461017)x3

Genes: TRMT2A (tRNA methyltransferase 2A; minus strand), TSSK2 (testis specific serine kinase 2; plus strand), TXNRD2 (thioredoxin reductase 2; minus strand), UFD1 (ubiquitin recognition factor in ER associated degradation 1; minus strand), USP41 (ubiquitin specific peptidase 41; minus strand) and 42 more. Cytogenetic location: 22q11.21.
Variant type: copy number gain.
Change: copy number 3 (three copies instead of two) of chr22:18,886,915-21,461,017 (2.57 Mb, GRCh37 coordinates, 1-based), cytogenetic band 22q11.21.
Identifiers: ClinVar variation 997967 (VCV000997967.1).